The following is an entry in ClinVar:

ClinVar aggregate classification (germline): Likely benign. Review status: criteria provided, multiple submitters, no conflicts (2 of 4 stars). 3 submissions from 3 submitters: Likely benign (2). 1 of the submissions does not count toward it. Last evaluated 2025-05-23.

Conditions:
PALLD-related disorder. Also called: PALLD-related condition.
Pancreatic adenocarcinoma. Identifiers: MedGen C0281361, MONDO:0006047, HP:0006725.

Allele frequency attached by ClinVar (database versions not stated): gnomAD 0.00001.
gnomAD v4.1: 1 of 1,515,720 alleles (0.000066%); highest among the groups gnomAD compares: African/African-American, 0.0014%; no homozygotes.

Submissions (3):

Ambry Genetics
Classification: Likely benign. Last evaluated: 2025-05-23. Review status: criteria provided, single submitter. Criteria: Ambry Variant Classification Scheme 2023. Collection method: clinical testing. Allele origin: germline.

Labcorp Genetics (formerly Invitae), Labcorp
Classification: Likely benign for Pancreatic adenocarcinoma. Last evaluated: 2016-03-25. Review status: criteria provided, single submitter. Criteria: Invitae Variant Classification Sherloc (09022015). Collection method: clinical testing. Allele origin: germline.

PreventionGenetics, part of Exact Sciences
Classification: Likely benign for PALLD-related condition. Last evaluated: 2023-05-10. Review status: no assertion criteria provided. Collection method: clinical testing. Allele origin: germline. Not counted in ClinVar's aggregate classification.
Comment: This variant is classified as likely benign based on ACMG/AMP sequence variant interpretation guidelines (Richards et al. 2015 PMID: 25741868, with internal and published modifications).

NM_001166108.2(PALLD):c.1965-12556C>T

Gene: PALLD (palladin, cytoskeletal associated protein; plus strand). Cytogenetic location: 4q32.3.
Variant type: single nucleotide variant.
Coding change: c.1965-12556C>T on transcript NM_001166108.2 (MANE Select); 12556 bases into the intron before coding-DNA position 1965, C replaced by T.
Molecular consequence: intron variant. On other transcripts: synonymous variant (1).
Genome position (GRCh38, 1-based): chr4:168,878,366, C>T. VCF-style: chr4-168878366-C-T. GRCh37 (hg19) VCF-style: chr4-169799517-C-T.
Other names: c.475C>T, p.Leu159= (NM_001166110.2); c.1965-12556C>T (NM_016081.4); c.819-12556C>T (NM_001166109.2); c.-157-12556C>T (NM_001367570.1, NM_001367568.1, NM_001367567.1 and 1 more transcripts).
Identifiers: ClinVar variation 238611 (VCV000238611.12), dbSNP rs878854265, ClinGen allele CA10582219.